The following is an entry in ClinVar:

NM_006269.2(RP1):c.1070G>A (p.Gly357Asp)

Gene: RP1 (RP1 axonemal microtubule associated; plus strand). Cytogenetic location: 8q12.1.
Variant type: single nucleotide variant.
Coding change: c.1070G>A on transcript NM_006269.2 (MANE Select); coding-DNA position 1070, G replaced by A.
Protein change: p.Gly357Asp; replaces glycine 357 with aspartic acid.
Molecular consequence: missense variant. On other transcripts: intron variant (1).
Genome position (GRCh38, 1-based): chr8:54,624,952, G>A. VCF-style: chr8-54624952-G-A. GRCh37 (hg19) VCF-style: chr8-55537512-G-A.
Other names: c.787+2664G>A (NM_001375654.1); short protein forms G357D.
Identifiers: ClinVar variation 940850 (VCV000940850.9), dbSNP rs1805986824, ClinGen allele CA370989221.

ClinVar aggregate classification (germline): Uncertain significance (1 of 4 stars; one submission).

Allele frequency attached by ClinVar (database versions not stated): gnomAD exomes below 0.00001.
gnomAD v4.1: 1 of 1,614,122 alleles (0.000062%); highest among the groups gnomAD compares: Non-Finnish European, 0.000085%; no homozygotes.

Submission:

Labcorp Genetics (formerly Invitae), Labcorp
Classification: Uncertain significance. Last evaluated: 2024-03-28. Review status: criteria provided, single submitter. Criteria: Invitae Variant Classification Sherloc (09022015). Collection method: clinical testing. Allele origin: germline.
Comment: This sequence change replaces glycine, which is neutral and non-polar, with aspartic acid, which is acidic and polar, at codon 357 of the RP1 protein (p.Gly357Asp). This variant is not present in population databases (gnomAD no frequency). This variant has not been reported in the literature in individuals affected with RP1-related conditions. ClinVar contains an entry for this variant (Variation ID: 940850). Algorithms developed to predict the effect of missense changes on protein structure and function output the following: SIFT: "Not Available"; PolyPhen-2: "Benign"; Align-GVGD: "Not Available". The aspartic acid amino acid residue is found in multiple mammalian species, which suggests that this missense change does not adversely affect protein function. In summary, the available evidence is currently insufficient to determine the role of this variant in disease. Therefore, it has been classified as a Variant of Uncertain Significance.